The following is an entry in ClinVar:

NM_002480.3(PPP1R12A):c.1853G>A (p.Ser618Asn)

Gene: PPP1R12A (protein phosphatase 1 regulatory subunit 12A; minus strand). Cytogenetic location: 12q21.2.
Variant type: single nucleotide variant.
Coding change: c.1853G>A on transcript NM_002480.3 (MANE Select); coding-DNA position 1853, G replaced by A.
Protein change: p.Ser618Asn; replaces serine 618 with asparagine.
Molecular consequence: missense variant.
Genome position (GRCh38, 1-based): chr12:79,805,739, C>T on the plus strand (G>A on the coding strand, the complement: PPP1R12A is on the minus strand). VCF-style: chr12-79805739-C-T. GRCh37 (hg19) VCF-style: chr12-80199519-C-T.
Other names: c.1853G>A, p.Ser618Asn (NM_001143885.2, NM_001244990.2); c.1592G>A, p.Ser531Asn (NM_001143886.2); c.1685G>A, p.Ser562Asn (NM_001244992.1); short protein forms S531N, S562N, S618N.
Identifiers: ClinVar variation 2621723 (VCV002621723.2), dbSNP rs1230006280, ClinGen allele CA385847878.
Genomic context (GRCh38, chr12:79,805,739, plus strand): 5'-ACAGTTGGAGCAACAGGAATGGTCACTGCCGTAGGAACACTGTCCTTTTCTTTCTCAGTA[C>T]TATCCTCAGCCCACAAACGATTTGAGGTACTATAGCATCATAAGCAGCAACACAAAAAAG-3'
Protein context (NP_002471.1, residues 608-628): STSNRLWAED[Ser618Asn]TEKEKDSVPT

ClinVar aggregate classification (germline): Uncertain significance (1 of 4 stars; one submission).

Conditions:
Inborn genetic diseases. Identifiers: MedGen C0950123, MeSH D030342.

Allele frequency attached by ClinVar (database versions not stated): gnomAD 0.00001.
gnomAD v4.1: 1 of 1,612,902 alleles (0.000062%); highest among the groups gnomAD compares: African/African-American, 0.0013%; no homozygotes.

Submission:

Ambry Genetics
Classification: Uncertain significance for Inborn genetic diseases. Last evaluated: 2023-08-28. Review status: criteria provided, single submitter. Criteria: Ambry Variant Classification Scheme 2023. Collection method: clinical testing. Allele origin: germline.
Comment: The c.1853G>A (p.S618N) alteration is located in exon 14 (coding exon 14) of the PPP1R12A gene. This alteration results from a G to A substitution at nucleotide position 1853, causing the serine (S) at amino acid position 618 to be replaced by an asparagine (N). Based on data from gnomAD, the A allele has an overall frequency of 0.003% (1/31408) total alleles studied. The highest observed frequency was 0.012% (1/8718) of African alleles. This amino acid position is highly conserved in available vertebrate species. This alteration is predicted to be tolerated by in silico analysis. Based on insufficient or conflicting evidence, the clinical significance of this alteration remains unclear.